The following is an entry in ClinVar:

NM_015346.4(ZFYVE26):c.6541G>T (p.Val2181Leu)

Gene: ZFYVE26 (zinc finger FYVE-type containing 26; minus strand). Cytogenetic location: 14q24.1.
Variant type: single nucleotide variant.
Coding change: c.6541G>T on transcript NM_015346.4 (MANE Select); coding-DNA position 6541, G replaced by T.
Protein change: p.Val2181Leu; replaces valine 2181 with leucine.
Molecular consequence: missense variant.
Genome position (GRCh38, 1-based): chr14:67,761,413, C>A on the plus strand (G>T on the coding strand, the complement: ZFYVE26 is on the minus strand). VCF-style: chr14-67761413-C-A. GRCh37 (hg19) VCF-style: chr14-68228130-C-A.
Other names: short protein forms V2181L.
Identifiers: ClinVar variation 3363231 (VCV003363231.1).

ClinVar aggregate classification (germline): Uncertain significance (1 of 4 stars; one submission).

Submission:

GeneDx
Classification: Uncertain significance. Last evaluated: 2023-10-27. Review status: criteria provided, single submitter. Criteria: GeneDx Variant Classification Process June 2021. Collection method: clinical testing. Allele origin: germline. Affected: yes.
Comment: Not observed at significant frequency in large population cohorts (gnomAD); In silico analysis supports that this missense variant does not alter protein structure/function; Has not been previously published as pathogenic or benign to our knowledge